The following is an entry in ClinVar:

NM_002693.3(POLG):c.3487A>G (p.Met1163Val)

Gene: POLG (DNA polymerase gamma, catalytic subunit; minus strand). Cytogenetic location: 15q26.1.
Variant type: single nucleotide variant.
Coding change: c.3487A>G on transcript NM_002693.3 (MANE Select); coding-DNA position 3487, A replaced by G.
Protein change: p.Met1163Val; replaces methionine 1163 with valine.
Molecular consequence: missense variant.
Genome position (GRCh38, 1-based): chr15:89,317,532, T>C on the plus strand (A>G on the coding strand, the complement: POLG is on the minus strand). VCF-style: chr15-89317532-T-C. GRCh37 (hg19) VCF-style: chr15-89860763-T-C.
Other names: p.M1163V:ATG>GTG; c.3487A>G, p.Met1163Val (NM_001126131.2); short protein forms M1163V.
Identifiers: ClinVar variation 206615 (VCV000206615.5), dbSNP rs752500907, ClinGen allele CA316869.

ClinVar aggregate classification (germline): Uncertain significance. Review status: criteria provided, multiple submitters, no conflicts (2 of 4 stars). 3 submissions from 3 submitters: Uncertain significance (3). Last evaluated 2025-07-15.

Conditions:
Progressive external ophthalmoplegia with mitochondrial DNA deletions, autosomal dominant 1 (PEOA1). Also called: PROGRESSIVE EXTERNAL OPHTHALMOPLEGIA, AUTOSOMAL DOMINANT 1; Autosomal Dominant Progressive External Ophthalmoplegia (adPEO). Identifiers: MedGen C1834846, MONDO:0024528, OMIM 157640.
Progressive external ophthalmoplegia with mitochondrial DNA deletions, autosomal recessive 1 (PEOB1). Also called: Autosomal Recessive Progressive External Ophthalmoplegia (arPEO); Progressive external ophthalmoplegia, autosomal recessive 1. Identifiers: Orphanet 254886, MedGen C4225153, MONDO:0009783, OMIM 258450.
Progressive sclerosing poliodystrophy (MTDPS4A). Also called: ALPERS DIFFUSE DEGENERATION OF CEREBRAL GRAY MATTER WITH HEPATIC CIRRHOSIS; Alpers-Huttenlocher Syndrome; ALPERS PROGRESSIVE INFANTILE POLIODYSTROPHY; NEURONAL DEGENERATION OF CHILDHOOD WITH LIVER DISEASE, PROGRESSIVE; Mitochondrial DNA Depletion Syndrome 4A; Alpers-Huttenlocher Syndrome (AHS). Identifiers: Orphanet 726, MedGen C0205710, MONDO:0008758, OMIM 203700.
Mitochondrial DNA depletion syndrome 1. Also called: Mitochondrial Neurogastrointestinal Encephalopathy Disease; MITOCHONDRIAL NEUROGASTROINTESTINAL ENCEPHALOPATHY SYNDROME, TYMP-RELATED; MNGIE, TYMP-RELATED; POLIP SYNDROME; POLYNEUROPATHY, OPHTHALMOPLEGIA, LEUKOENCEPHALOPATHY, AND INTESTINAL PSEUDOOBSTRUCTION; Mitochondrial DNA Depletion Syndrome, MNGIE Form. Identifiers: Orphanet 298, MedGen C4551995, MONDO:0011283, OMIM 603041.
Sensory ataxic neuropathy, dysarthria, and ophthalmoparesis (SANDO). Also called: SENSORY ATAXIC NEUROPATHY WITH MITOCHONDRIAL DNA DELETIONS, AUTOSOMAL RECESSIVE; Epilepsy, progressive myoclonic, type 5; Sensory ataxic neuropathy-dysarthria-ophthalmoparesis syndrome; Ataxia Neuropathy Spectrum (ANS). Identifiers: Orphanet 70595, MedGen C1843851, MONDO:0011835, OMIM 607459.
Mitochondrial DNA depletion syndrome 4b. Also called: MNGIE, POLG-RELATED; Mitochondrial Neurogastrointestinal Encephalopathy Disease, POLG-Related. Identifiers: Orphanet 298, MedGen C3150914, MONDO:0013350, OMIM 613662.

Allele frequency attached by ClinVar (database versions not stated): gnomAD 0.00001; gnomAD exomes 0.00001; ExAC 0.00002.

Submissions (3):

Labcorp Genetics (formerly Invitae), Labcorp
Classification: Uncertain significance for Progressive sclerosing poliodystrophy. Last evaluated: 2025-07-15. Review status: criteria provided, single submitter. Criteria: Invitae Variant Classification Sherloc (09022015). Collection method: clinical testing. Allele origin: germline.
Comment: This sequence change replaces methionine, which is neutral and non-polar, with valine, which is neutral and non-polar, at codon 1163 of the POLG protein (p.Met1163Val). This variant is present in population databases (rs752500907, gnomAD 0.003%). This variant has not been reported in the literature in individuals affected with POLG-related conditions. ClinVar contains an entry for this variant (Variation ID: 206615). Invitae Evidence Modeling of protein sequence and biophysical properties (such as structural, functional, and spatial information, amino acid conservation, physicochemical variation, residue mobility, and thermodynamic stability) has been performed for this missense variant. However, the output from this modeling did not meet the statistical confidence thresholds required to predict the impact of this variant on POLG protein function. In summary, the available evidence is currently insufficient to determine the role of this variant in disease. Therefore, it has been classified as a Variant of Uncertain Significance.

Department of Pathology and Laboratory Medicine, Sinai Health System
Classification: Uncertain significance for Progressive external ophthalmoplegia with mitochondrial DNA deletions, autosomal dominant 1; Progressive sclerosing poliodystrophy; Progressive external ophthalmoplegia with mitochondrial DNA deletions, autosomal recessive 1; Mitochondrial DNA depletion syndrome 1; Sensory ataxic neuropathy, dysarthria, and ophthalmoparesis; Mitochondrial DNA depletion syndrome 4b. Last evaluated: 2021-07-30. Review status: criteria provided, single submitter. Criteria: ACMG Guidelines, 2015. Collection method: research. Allele origin: germline.

GeneDx
Classification: Uncertain significance. Last evaluated: 2012-03-05. Review status: criteria provided, single submitter. Criteria: GeneDx Variant Classification (06012015). Collection method: clinical testing. Allele origin: germline. Affected: yes.
Comment: p.Met1163Val: c.3487 A>G in exon 22 of the POLG gene. The Met1163Val missense substitution has not been published as a mutation, nor has it been reported as a benign polymorphism to our knowledge. The NHLBI ESP Exome Variant Project has not identified Met1163Val in approximately 5,000 individuals of European or African American ethnicity, indicating that it is not a common benign variant in these populations. A different missense substitution at the same codon (Met1163Arg) was identified in a patient with progressive encephalopathy (Kollberg et al., 2006); however, Met1163Val is a more conservative amino acid change since Methionine and Valine are both uncharged, non-polar amino acids. Met1163Val alters a position in the protein that is conserved through mammals but is not well conserved in other species. While some in silico algorithms predict that Met1163Val is damaging to protein structure/function, others predict that it is likely benign. Therefore, based on the available information it is currently unclear whether Met1163Val is a disease-causing mutation or a rare benign variant. The variant is found in CHILD-EPI panel(s).